The following is an entry in ClinVar:

NM_014000.3(VCL):c.610G>C (p.Val204Leu)

Gene: VCL (vinculin; plus strand). Cytogenetic location: 10q22.2.
Variant type: single nucleotide variant.
Coding change: c.610G>C on transcript NM_014000.3 (MANE Select); coding-DNA position 610, G replaced by C.
Protein change: p.Val204Leu; replaces valine 204 with leucine.
Molecular consequence: missense variant.
Genome position (GRCh38, 1-based): chr10:74,072,840, G>C. VCF-style: chr10-74072840-G-C. GRCh37 (hg19) VCF-style: chr10-75832598-G-C.
Other names: c.610G>C, p.Val204Leu (NM_003373.4); short protein forms V204L.
Identifiers: ClinVar variation 178980 (VCV000178980.14), dbSNP rs727504585, ClinGen allele CA183422.

ClinVar aggregate classification (germline): Uncertain significance. Review status: criteria provided, multiple submitters, no conflicts (2 of 4 stars). 6 submissions from 6 submitters: Uncertain significance (6). Last evaluated 2025-08-21.

Conditions:
Cardiovascular phenotype. Identifiers: MedGen CN230736.
Dilated cardiomyopathy 1W (CMD1W). Identifiers: Orphanet 154, MedGen C1969639, MONDO:0012667, OMIM 611407.

Allele frequency attached by ClinVar (database versions not stated): gnomAD exomes below 0.00001 and 0.00001; gnomAD 0.00001; TOPMed 0.00001.
gnomAD v4.1: 22 of 1,613,958 alleles (0.0014%); highest among the groups gnomAD compares: Middle Eastern, 0.099%; no homozygotes.

Submissions (6):

Labcorp Genetics (formerly Invitae), Labcorp
Classification: Uncertain significance for Dilated cardiomyopathy 1W. Last evaluated: 2025-08-21. Review status: criteria provided, single submitter. Criteria: Invitae Variant Classification Sherloc (09022015). Collection method: clinical testing. Allele origin: germline.
Comment: This sequence change replaces valine, which is neutral and non-polar, with leucine, which is neutral and non-polar, at codon 204 of the VCL protein (p.Val204Leu). This variant is present in population databases (rs727504585, gnomAD 0.0009%). This missense change has been observed in individual(s) with dilated cardiomyopathy (PMID: 31737537). ClinVar contains an entry for this variant (Variation ID: 178980). An algorithm developed to predict the effect of missense changes on protein structure and function (PolyPhen-2) suggests that this variant is likely to be tolerated. In summary, the available evidence is currently insufficient to determine the role of this variant in disease. Therefore, it has been classified as a Variant of Uncertain Significance.

Molecular Diagnostic Laboratory for Inherited Cardiovascular Disease, Montreal Heart Institute
Classification: Uncertain significance for Cardiovascular phenotype. Last evaluated: 2025-04-09. Review status: criteria provided, single submitter. Criteria: ACMG Guidelines, 2015. Collection method: clinical testing. Allele origin: germline. Affected: yes.
Comment: PM2, BP4

Blueprint Genetics
Classification: Uncertain significance. Last evaluated: 2024-07-10. Review status: criteria provided, single submitter. Criteria: ACMG Guidelines, 2015. Collection method: clinical testing. Allele origin: germline.

GeneDx
Classification: Uncertain significance. Last evaluated: 2019-09-05. Review status: criteria provided, single submitter. Criteria: GeneDx Variant Classification Process June 2021. Collection method: clinical testing. Allele origin: germline. Affected: yes.
Comment: Has not been previously published in association with cardiomyopathy as pathogenic or benign to our knowledge; Reported in ClinVar but as a variant of uncertain significance by other clinical laboratories (ClinVar Variant ID# 178980; Landrum et al., 2016); Not observed at a significant frequency in large population cohorts (Lek et al., 2016); In silico analysis, which includes protein predictors and evolutionary conservation, supports that this variant does not alter protein structure/function; This variant is associated with the following publications: (PMID: 22238637, 31737537)

Laboratory for Molecular Medicine, Mass General Brigham Personalized Medicine
Classification: Uncertain significance. Last evaluated: 2013-05-30. Review status: criteria provided, single submitter. Criteria: LMM Criteria. Collection method: clinical testing. Allele origin: germline. Observed: 1 variant allele.
Comment: The Val204Leu variant in VCL has not been reported in individuals with cardiomyo pathy or in large population studies. Computational analyses (biochemical amino acid properties, conservation, AlignGVGD, PolyPhen2, and SIFT) suggest that this variant may not impact the protein, though this information is not predictive e nough to rule out pathogenicity. Additional information is needed to fully asses s the clinical significance of this variant.

Breakthrough Genomics
Classification: Uncertain significance. Review status: criteria provided, single submitter. Criteria: ACMG Guidelines, 2015. Collection method: not provided. Allele origin: germline. Inheritance: Autosomal dominant inheritance. Affected: yes.

Literature cited by the submitters: PubMed 31737537 (cited by Labcorp Genetics (formerly Invitae), Labcorp).